The following is an entry in ClinVar:

ClinVar aggregate classification (germline): Benign/Likely benign. Review status: criteria provided, multiple submitters, no conflicts (2 of 4 stars). 4 submissions from 4 submitters: Benign (1); Likely benign (3). Last evaluated 2025-09-10.

Conditions:
Hereditary cancer-predisposing syndrome. Also called: Neoplastic Syndromes, Hereditary; Hereditary Cancer Syndrome; Hereditary neoplastic syndrome; Tumor predisposition. Identifiers: Orphanet 140162, MedGen C0027672, MeSH D009386, MONDO:0015356.
Familial cancer of breast. Also called: BREAST CANCER, FAMILIAL; hereditary breast carcinoma; Hereditary breast cancer. Identifiers: Orphanet 227535, MedGen C0346153, MONDO:0016419, OMIM 114480. Disease mechanism: loss of function.

Allele frequency attached by ClinVar (database versions not stated): gnomAD exomes below 0.00001; TOPMed below 0.00001.
gnomAD v4.1: 1 of 1,613,628 alleles (0.000062%); highest among the groups gnomAD compares: South Asian, 0.0011%; no homozygotes.

Submissions (4):

Labcorp Genetics (formerly Invitae), Labcorp
Classification: Likely benign for Familial cancer of breast. Last evaluated: 2025-09-10. Review status: criteria provided, single submitter. Criteria: Invitae Variant Classification Sherloc (09022015). Collection method: clinical testing. Allele origin: germline.

Myriad Genetics, Inc.
Classification: Benign for Familial cancer of breast. Last evaluated: 2024-07-29. Review status: criteria provided, single submitter. Criteria: Myriad Autosomal Dominant, Autosomal Recessive and X-Linked Classification Criteria (2023). Collection method: clinical testing. Allele origin: unknown.
Comment: This variant is considered benign. This variant is a silent/synonymous amino acid change and it is not expected to impact splicing.

Women's Health and Genetics/Laboratory Corporation of America, LabCorp
Classification: Likely benign. Last evaluated: 2019-08-21. Review status: criteria provided, single submitter. Criteria: LabCorp Variant Classification Summary - May 2015. Collection method: clinical testing. Allele origin: germline.

Ambry Genetics
Classification: Likely benign for Hereditary cancer-predisposing syndrome. Last evaluated: 2017-06-21. Review status: criteria provided, single submitter. Criteria: Ambry Variant Classification Scheme 2023. Collection method: clinical testing. Allele origin: germline.

NM_000465.4(BARD1):c.1986C>T (p.Leu662=)

Gene: BARD1 (BRCA1 associated RING domain 1; minus strand). Cytogenetic location: 2q35.
Variant type: single nucleotide variant.
Coding change: c.1986C>T on transcript NM_000465.4 (MANE Select); coding-DNA position 1986, C replaced by T.
Protein change: p.Leu662=; no amino-acid change (leucine 662 retained).
Molecular consequence: synonymous variant. On other transcripts: non-coding transcript variant (3).
Genome position (GRCh38, 1-based): chr2:214,730,426, G>A on the plus strand (C>T on the coding strand, the complement: BARD1 is on the minus strand). VCF-style: chr2-214730426-G-A. GRCh37 (hg19) VCF-style: chr2-215595150-G-A.
Other names: c.1929C>T, p.Leu643= (NM_001282543.2); c.633C>T, p.Leu211= (NM_001282545.2); c.576C>T, p.Leu192= (NM_001282548.2); c.447C>T, p.Leu149= (NM_001282549.2).
Identifiers: ClinVar variation 479188 (VCV000479188.17), dbSNP rs1553612477, ClinGen allele CA431139111.